The following is an entry in ClinVar:

ClinVar aggregate classification (germline): Pathogenic/Likely pathogenic. Review status: criteria provided, multiple submitters, no conflicts (2 of 4 stars). 4 submissions from 4 submitters: Pathogenic (2); Likely pathogenic (2). Last evaluated 2024-03-11.

Conditions:
Kidney failure. Identifiers: MedGen C0035078, MONDO:0001106.
Karyomegalic interstitial nephritis. Identifiers: Orphanet 401996, MedGen C3553774, MONDO:0013898, OMIM 614817.
FAN1-related disorders.

Allele frequency attached by ClinVar (database versions not stated): gnomAD exomes 0.00001 and 0.00003; TOPMed 0.00001; ExAC 0.00003.

Submissions (4):

Fulgent Genetics
Classification: Likely pathogenic for Karyomegalic interstitial nephritis. Last evaluated: 2024-03-11. Review status: criteria provided, single submitter. Criteria: ACMG Guidelines, 2015. Collection method: clinical testing. Allele origin: germline.

Blueprint Genetics
Classification: Likely pathogenic for FAN1-related disorders. Last evaluated: 2023-12-07. Review status: criteria provided, single submitter. Criteria: ACMG Guidelines, 2015. Collection method: clinical testing. Allele origin: germline. Affected: yes. Observed: 2 variant alleles.

GeneDx
Classification: Pathogenic. Last evaluated: 2023-10-11. Review status: criteria provided, single submitter. Criteria: GeneDx Variant Classification Process June 2021. Collection method: clinical testing. Allele origin: germline. Affected: yes.
Comment: Frameshift variant predicted to result in protein truncation or nonsense mediated decay in a gene for which loss-of-function is a known mechanism of disease; This variant is associated with the following publications: (PMID: 32111193)

Cambridge Genomics Laboratory, East Genomic Laboratory Hub, NHS Genomic Medicine Service
Classification: Pathogenic for Kidney failure. Last evaluated: 2020-01-29. Review status: criteria provided, single submitter. Criteria: ACGS Best Practice Guidelines for Variant Classification in Rare Disease 2020. Collection method: clinical testing. Allele origin: germline. Affected: yes. Observed: 1 variant allele.

NM_014967.5(FAN1):c.1899del (p.Cys633fs)

Gene: FAN1 (FANCD2 and FANCI associated nuclease 1; plus strand). Cytogenetic location: 15q13.3.
Variant type: Deletion.
Coding change: c.1899del on transcript NM_014967.5 (MANE Select); coding-DNA position 1899, one base deleted (T; older notation c.1899delT).
Protein change: p.Cys633fs; shifts the reading frame from cysteine 633.
Molecular consequence: frameshift variant.
Genome position (GRCh38, 1-based): chr15:30,918,251, T deleted. VCF-style (leftmost placement, unchanged base first): chr15-30918250-GT-G. GRCh37 (hg19) VCF-style: chr15-31210453-GT-G.
Other names: c.1899delT (NM_014967.4); short protein forms C633fs.
Identifiers: ClinVar variation 817020 (VCV000817020.7), dbSNP rs761988851, ClinGen allele CA7450434.